The following is an entry in ClinVar:

ClinVar aggregate classification (germline): Likely pathogenic. Review status: criteria provided, multiple submitters, no conflicts (2 of 4 stars). 2 submissions from 2 submitters: Likely pathogenic (2). Last evaluated 2024-03-06.

Conditions:
Heimler syndrome 2 (HMLR2). Also called: PEROXISOME BIOGENESIS DISORDER 4C. Identifiers: Orphanet 3220, MedGen C4225267, OMIM 616617, MONDO:0014709.
Zellweger spectrum disorders (ZS). Also called: Zellweger syndrome; Zellweger Spectrum Disorder (ZSD); Zellweger Spectrum Disorder; Zellweger Spectrum. Identifiers: Orphanet 912, MedGen C0043459, MONDO:0019609.

Submissions (2):

Natera, Inc.
Classification: Likely pathogenic for Zellweger syndrome. Last evaluated: 2024-03-06. Review status: criteria provided, single submitter. Criteria: Natera Variant Classification Schema (03/2026). Collection method: clinical testing. Allele origin: germline.
Comment: The c.2422_2423delTT variant in PEX6 is a frameshift variant predicted to shift the reading frame beginning at codon 808 and leads to a stop codon 57 codons downstream. This variant is expected to result in nonsense mediated decay, truncation, or a dysfunctional protein product. This variant is rare in the general population with a frequency below the threshold expected for the associated phenotype(s). Given the available evidence, this variant is classified as Likely Pathogenic.

Baylor Genetics
Classification: Likely pathogenic for Heimler syndrome 2. Last evaluated: 2022-08-25. Review status: criteria provided, single submitter. Criteria: ACMG Guidelines, 2015. Collection method: clinical testing. Allele origin: unknown.

NM_000287.4(PEX6):c.2422_2423del (p.Leu808fs)

Gene: PEX6 (peroxisomal biogenesis factor 6; minus strand). Cytogenetic location: 6p21.1.
Variant type: Deletion.
Coding change: c.2422_2423del on transcript NM_000287.4 (MANE Select); coding-DNA positions 2422 to 2423, 2 bases deleted (TT; older notation c.2422_2423delTT).
Protein change: p.Leu808fs; shifts the reading frame from leucine 808.
Molecular consequence: frameshift variant. On other transcripts: non-coding transcript variant (1).
Genome position (GRCh38, 1-based): chr6:42,965,729-42,965,730, AA deleted on the plus strand (TT on the coding strand, the reverse complement: PEX6 is on the minus strand); deleting any 2 consecutive bases within chr6:42,965,729-42,965,731 gives the same sequence; the c. name uses the placement nearest the transcript's 3' end. VCF-style (leftmost placement, unchanged base first): chr6-42965728-CAA-C. GRCh37 (hg19) VCF-style: chr6-42933466-CAA-C.
Other names: c.2422_2423delTT (NM_000287.3); c.2158_2159del, p.Leu720fs (NM_001316313.2); short protein forms L720fs, L808fs.
Identifiers: ClinVar variation 2677711 (VCV002677711.2), dbSNP rs1409234072, ClinGen allele CA824872642.